The following is an entry in ClinVar:

NM_022124.6(CDH23):c.940G>A (p.Val314Met)

Gene: CDH23 (cadherin related 23; plus strand). Cytogenetic location: 10q22.1.
Variant type: single nucleotide variant.
Coding change: c.940G>A on transcript NM_022124.6 (MANE Select); coding-DNA position 940, G replaced by A.
Protein change: p.Val314Met; replaces valine 314 with methionine.
Molecular consequence: missense variant.
Genome position (GRCh38, 1-based): chr10:71,615,611, G>A. VCF-style: chr10-71615611-G-A. GRCh37 (hg19) VCF-style: chr10-73375368-G-A.
Other names: c.940G>A, p.Val314Met (NM_001171930.2, NM_001171931.2, NM_001171932.2 and 1 more transcripts); short protein forms V314M.
Identifiers: ClinVar variation 1504064 (VCV001504064.8), dbSNP rs1226921202, ClinGen allele CA377121543.

ClinVar aggregate classification (germline): Uncertain significance (1 of 4 stars; one submission).

Allele frequency attached by ClinVar (database versions not stated): gnomAD exomes below 0.00001.
gnomAD v4.1: 3 of 1,612,712 alleles (0.00019%); highest among the groups gnomAD compares: African/African-American, 0.0013%; no homozygotes.

Submission:

Labcorp Genetics (formerly Invitae), Labcorp
Classification: Uncertain significance. Last evaluated: 2022-11-22. Review status: criteria provided, single submitter. Criteria: Invitae Variant Classification Sherloc (09022015). Collection method: clinical testing. Allele origin: germline.
Comment: ClinVar contains an entry for this variant (Variation ID: 1504064). This variant has not been reported in the literature in individuals affected with CDH23-related conditions. The frequency data for this variant in the population databases is considered unreliable, as metrics indicate poor data quality at this position in the gnomAD database. This sequence change replaces valine, which is neutral and non-polar, with methionine, which is neutral and non-polar, at codon 314 of the CDH23 protein (p.Val314Met). Advanced modeling of protein sequence and biophysical properties (such as structural, functional, and spatial information, amino acid conservation, physicochemical variation, residue mobility, and thermodynamic stability) has been performed at Invitae for this missense variant, however the output from this modeling did not meet the statistical confidence thresholds required to predict the impact of this variant on CDH23 protein function. In summary, the available evidence is currently insufficient to determine the role of this variant in disease. Therefore, it has been classified as a Variant of Uncertain Significance.